The following is an entry in ClinVar:

NM_198129.4(LAMA3):c.5765A>G (p.Asn1922Ser)

Gene: LAMA3 (laminin subunit alpha 3; plus strand). Cytogenetic location: 18q11.2.
Variant type: single nucleotide variant.
Coding change: c.5765A>G on transcript NM_198129.4 (MANE Select); coding-DNA position 5765, A replaced by G.
Protein change: p.Asn1922Ser; replaces asparagine 1922 with serine.
Molecular consequence: missense variant.
Genome position (GRCh38, 1-based): chr18:23,898,994, A>G. VCF-style: chr18-23898994-A-G. GRCh37 (hg19) VCF-style: chr18-21478958-A-G.
Other names: c.938A>G, p.Asn313Ser (NM_000227.6, NM_001127718.4); c.5765A>G, p.Asn1922Ser (NM_001127717.4); short protein forms N1922S, N313S.
Identifiers: ClinVar variation 1359909 (VCV001359909.5), dbSNP rs117202132, ClinGen allele CA8916164.

ClinVar aggregate classification (germline): Uncertain significance (1 of 4 stars; one submission).

Allele frequency attached by ClinVar (database versions not stated): gnomAD 0.00001 and 0.00002; gnomAD exomes 0.00001 and 0.00002; TOPMed 0.00001; ExAC 0.00003; 1000 Genomes Project 30x 0.00031; 1000 Genomes Project 0.00040.
gnomAD v4.1: 10 of 1,614,096 alleles (0.00062%); highest among the groups gnomAD compares: East Asian, 0.0089%; no homozygotes.

Submission:

Labcorp Genetics (formerly Invitae), Labcorp
Classification: Uncertain significance. Last evaluated: 2021-09-24. Review status: criteria provided, single submitter. Criteria: Invitae Variant Classification Sherloc (09022015). Collection method: clinical testing. Allele origin: germline.
Comment: This sequence change replaces asparagine with serine at codon 313 of the LAMA3 protein (p.Asn313Ser). The asparagine residue is highly conserved and there is a small physicochemical difference between asparagine and serine. This variant is present in population databases (rs117202132, ExAC 0.03%). This variant has not been reported in the literature in individuals with LAMA3-related conditions. Algorithms developed to predict the effect of missense changes on protein structure and function output the following: SIFT: "Tolerated"; PolyPhen-2: "Benign"; Align-GVGD: "Class C0". The serine amino acid residue is found in multiple mammalian species, suggesting that this missense change does not adversely affect protein function. These predictions have not been confirmed by published functional studies and their clinical significance is uncertain. In summary, the available evidence is currently insufficient to determine the role of this variant in disease. Therefore, it has been classified as a Variant of Uncertain Significance.